The following is an entry in ClinVar:

NM_005633.4(SOS1):c.1815T>C (p.Thr605=)

Gene: SOS1 (SOS Ras/Rac guanine nucleotide exchange factor 1; minus strand). Cytogenetic location: 2p22.1.
Variant type: single nucleotide variant.
Coding change: c.1815T>C on transcript NM_005633.4 (MANE Select); coding-DNA position 1815, T replaced by C.
Protein change: p.Thr605=; no amino-acid change (threonine 605 retained).
Molecular consequence: synonymous variant.
Genome position (GRCh38, 1-based): chr2:39,022,613, A>G on the plus strand (T>C on the coding strand, the complement: SOS1 is on the minus strand). VCF-style: chr2-39022613-A-G. GRCh37 (hg19) VCF-style: chr2-39249754-A-G.
Other names: c.1794T>C, p.Thr598= (NM_001382394.1); c.1815T>C, p.Thr605= (NM_001382395.1).
Identifiers: ClinVar variation 2197111 (VCV002197111.9), dbSNP rs751909070, ClinGen allele CA1624547.
Genomic context (GRCh38, chr2:39,022,613, plus strand): 5'-AACTGCATAATTCTTACCTGCGTACATATGGTACGTAAGCCTCTCTATAAGTTTAATAAC[A>G]GTTCCTGCTTTGATAATTGGAATTCCAGCCTTGGGCTGCATGTTCTCTTCAAATATAATA-3'
Protein context (NP_005624.2, residues 595-615): KAGIPIIKAG[Thr605=]VIKLIERLTY

ClinVar aggregate classification (germline): Likely benign. Review status: criteria provided, multiple submitters, no conflicts (2 of 4 stars). 4 submissions from 4 submitters: Likely benign (4). Last evaluated 2026-08-21.

Conditions:
Cardiovascular phenotype. Identifiers: MedGen CN230736.
SOS1-related disorder. Also called: SOS1-related condition.
RASopathy. Also called: Noonan spectrum disorder; rasopathies. Identifiers: Orphanet 536391, MedGen C5555857, MONDO:0021060.

Allele frequency attached by ClinVar (database versions not stated): ExAC 0.00002.

Submissions (4):

PreventionGenetics, part of Exact Sciences
Classification: Likely benign for SOS1-related condition. Last evaluated: 2026-08-21. Review status: criteria provided, single submitter. Criteria: ACMG Guidelines, 2015. Collection method: clinical testing. Allele origin: germline.
Comment: This variant is classified as likely benign based on ACMG/AMP sequence variant interpretation guidelines (Richards et al. 2015 PMID: 25741868, with internal and published modifications).

Labcorp Genetics (formerly Invitae), Labcorp
Classification: Likely benign for RASopathy. Last evaluated: 2025-07-30. Review status: criteria provided, single submitter. Criteria: Invitae Variant Classification Sherloc (09022015). Collection method: clinical testing. Allele origin: germline.

Ambry Genetics
Classification: Likely benign for Cardiovascular phenotype. Last evaluated: 2025-04-19. Review status: criteria provided, single submitter. Criteria: Ambry Variant Classification Scheme 2023. Collection method: clinical testing. Allele origin: germline.

Women's Health and Genetics/Laboratory Corporation of America, LabCorp
Classification: Likely benign. Last evaluated: 2024-12-06. Review status: criteria provided, single submitter. Criteria: LabCorp Variant Classification Summary - May 2015. Collection method: clinical testing. Allele origin: germline.